The following is an entry in ClinVar:

ClinVar aggregate classification (germline): Uncertain significance. Review status: criteria provided, multiple submitters, no conflicts (2 of 4 stars). 4 submissions from 4 submitters: Uncertain significance (4). Last evaluated 2024-04-10.

Conditions:
Inborn genetic diseases. Identifiers: MedGen C0950123, MeSH D030342.
Werner syndrome (WRN). Identifiers: Orphanet 902, MedGen C0043119, MONDO:0010196, OMIM 277700.

Allele frequency attached by ClinVar (database versions not stated): gnomAD exomes 0.00001; gnomAD 0.00002 and 0.00003; TOPMed 0.00005.
gnomAD v4.1: 23 of 1,613,812 alleles (0.0014%); highest among the groups gnomAD compares: East Asian, 0.0067%; no homozygotes.

Submissions (4):

Labcorp Genetics (formerly Invitae), Labcorp
Classification: Uncertain significance for Werner syndrome. Last evaluated: 2024-04-10. Review status: criteria provided, single submitter. Criteria: Invitae Variant Classification Sherloc (09022015). Collection method: clinical testing. Allele origin: germline.
Comment: This sequence change replaces valine, which is neutral and non-polar, with isoleucine, which is neutral and non-polar, at codon 700 of the WRN protein (p.Val700Ile). This variant is present in population databases (no rsID available, gnomAD 0.007%). This variant has not been reported in the literature in individuals affected with WRN-related conditions. ClinVar contains an entry for this variant (Variation ID: 458401). Algorithms developed to predict the effect of missense changes on protein structure and function output the following: SIFT: "Not Available"; PolyPhen-2: "Benign"; Align-GVGD: "Not Available". The isoleucine amino acid residue is found in multiple mammalian species, which suggests that this missense change does not adversely affect protein function. In summary, the available evidence is currently insufficient to determine the role of this variant in disease. Therefore, it has been classified as a Variant of Uncertain Significance.

Ambry Genetics
Classification: Uncertain significance for Inborn genetic diseases. Last evaluated: 2023-11-13. Review status: criteria provided, single submitter. Criteria: Ambry Variant Classification Scheme 2023. Collection method: clinical testing. Allele origin: germline.

Fulgent Genetics
Classification: Uncertain significance for Werner syndrome. Last evaluated: 2021-09-02. Review status: criteria provided, single submitter. Criteria: ACMG Guidelines, 2015. Collection method: clinical testing. Allele origin: unknown.

Illumina Laboratory Services, Illumina
Classification: Uncertain significance for Werner syndrome. Last evaluated: 2018-01-12. Review status: criteria provided, single submitter. Criteria: ICSL Variant Classification Criteria 13 December 2019. Collection method: clinical testing. Allele origin: germline.

NM_000553.6(WRN):c.2098G>A (p.Val700Ile)

Gene: WRN (WRN RecQ like helicase; plus strand). Cytogenetic location: 8p12.
Variant type: single nucleotide variant.
Coding change: c.2098G>A on transcript NM_000553.6 (MANE Select); coding-DNA position 2098, G replaced by A.
Protein change: p.Val700Ile; replaces valine 700 with isoleucine.
Molecular consequence: missense variant.
Genome position (GRCh38, 1-based): chr8:31,111,624, G>A. VCF-style: chr8-31111624-G-A. GRCh37 (hg19) VCF-style: chr8-30969140-G-A.
Other names: short protein forms V700I.
Identifiers: ClinVar variation 458401 (VCV000458401.14), dbSNP rs1038838933, ClinGen allele CA174876928.